The following is an entry in ClinVar:

NM_000016.6(ACADM):c.203del (p.Asp68fs)

Gene: ACADM (acyl-CoA dehydrogenase medium chain; plus strand). Cytogenetic location: 1p31.1.
Variant type: Deletion.
Coding change: c.203del on transcript NM_000016.6 (MANE Select); coding-DNA position 203, one base deleted (A; older notation c.203delA).
Protein change: p.Asp68fs; shifts the reading frame from aspartic acid 68.
Molecular consequence: frameshift variant. On other transcripts: 5 prime UTR variant (1).
Genome position (GRCh38, 1-based): chr1:75,732,728, A deleted. VCF-style (leftmost placement, unchanged base first): chr1-75732727-GA-G. GRCh37 (hg19) VCF-style: chr1-76198412-GA-G.
Other names: c.215del, p.Asp72fs (NM_001127328.3); c.95del, p.Asp32fs (NM_001286042.2); c.203del, p.Asp68fs (NM_001286043.2); c.-183del (NM_001286044.2); short protein forms D32fs, D68fs, D72fs.
Identifiers: ClinVar variation 1068759 (VCV001068759.9), dbSNP rs2100362899, ClinGen allele CA2499214856.
Genomic context (GRCh38, chr1:75,732,727, plus strand): 5'-TTTCAAGCTACTGCTCGTAAATTTGCCAGAGAGGAAATCATCCCAGTGGCTGCAGAATAT[GA>G]TAAAACTGGTGAAGTAGGTATATACATTTTAAAGAGGGAAAAATCTTTTACATTTTTTAC-3'

ClinVar aggregate classification (germline): Pathogenic (1 of 4 stars; one submission).

Conditions:
Medium-chain acyl-coenzyme A dehydrogenase deficiency (ACADMD). Also called: MCADH DEFICIENCY; MCADD; MCAD Deficiency; ACADM DEFICIENCY; CARNITINE DEFICIENCY SECONDARY TO MEDIUM-CHAIN ACYL-CoA DEHYDROGENASE DEFICIENCY; Medium chain acyl-CoA dehydrogenase deficiency. Identifiers: Orphanet 42, MedGen C0220710, MONDO:0008721, OMIM 201450.

Submission:

Labcorp Genetics (formerly Invitae), Labcorp
Classification: Pathogenic for Medium-chain acyl-coenzyme A dehydrogenase deficiency. Last evaluated: 2020-02-21. Review status: criteria provided, single submitter. Criteria: Invitae Variant Classification Sherloc (09022015). Collection method: clinical testing. Allele origin: germline.
Comment: This sequence change creates a premature translational stop signal (p.Asp68Valfs*10) in the ACADM gene. It is expected to result in an absent or disrupted protein product. This variant is not present in population databases (ExAC no frequency). This variant has been observed in combination with another ACADM variant in an individual affected with medium-chain acyl-coenzyme A dehydrogenase deficiency (PMID: 15832312). Loss-of-function variants in ACADM are known to be pathogenic (PMID: 16121256, 20434380). For these reasons, this variant has been classified as Pathogenic.

Literature cited by the submitters: PubMed 15832312; PubMed 16121256; PubMed 20434380.